The following is an entry in ClinVar:

ClinVar aggregate classification (germline): Likely pathogenic. Review status: criteria provided, multiple submitters, no conflicts (2 of 4 stars). 4 submissions from 4 submitters: Likely pathogenic (4). Last evaluated 2025-07-21.

Conditions:
Fanconi anemia complementation group G. Also called: FANCG-Related Fanconi Anemia; Fanconi anemia group G. Identifiers: Orphanet 84, MedGen C3469527, MONDO:0013565, OMIM 614082.
Fanconi anemia (FA). Also called: Fanconi's anemia. Identifiers: Orphanet 84, MedGen C0015625, MeSH D005199, MONDO:0019391.

Allele frequency attached by ClinVar (database versions not stated): gnomAD 0.00001; gnomAD exomes 0.00001 and 0.00003; TOPMed 0.00001; ExAC 0.00004.

Submissions (4):

Labcorp Genetics (formerly Invitae), Labcorp
Classification: Likely pathogenic for Fanconi anemia. Last evaluated: 2025-07-21. Review status: criteria provided, single submitter. Criteria: Invitae Variant Classification Sherloc (09022015). Collection method: clinical testing. Allele origin: germline.
Comment: This variant, c.1589_1591del, is a complex sequence change that results in the deletion of two and insertion of one amino acid(s) in the FANCG protein (p.Asp530_Thr531delinsAla). This variant is present in population databases (rs767443643, gnomAD 0.04%). This variant has been observed in individual(s) with Fanconi anemia (PMID: 23067021, 25703136). In at least one individual the data is consistent with being in trans (on the opposite chromosome) from a pathogenic variant. ClinVar contains an entry for this variant (Variation ID: 1066184). Experimental studies and prediction algorithms are not available or were not evaluated, and the functional significance of this variant is currently unknown. In summary, the currently available evidence indicates that the variant is pathogenic, but additional data are needed to prove that conclusively. Therefore, this variant has been classified as Likely Pathogenic.

Natera, Inc.
Classification: Likely pathogenic for Fanconi anemia group G. Last evaluated: 2025-03-18. Review status: criteria provided, single submitter. Criteria: Natera Variant Classification Schema (03/2026). Collection method: clinical testing. Allele origin: germline.
Comment: The c.1589_1591delATA variant in FANCG is an in-frame deletion. This variant is rare in the general population with a frequency below the threshold expected for the associated phenotype(s). This variant has been observed in one or more individuals affected with the associated recessive disease, as either homozygous or compound heterozygous with a second variant (PMID: 23067021). This variant results in a change to the protein length while preserving reading frame, which may disrupt normal protein structure or function. Given the available evidence, this variant is classified as Likely Pathogenic.

Baylor Genetics
Classification: Likely pathogenic for Fanconi anemia complementation group G. Last evaluated: 2024-02-01. Review status: criteria provided, single submitter. Criteria: ACMG Guidelines, 2015. Collection method: clinical testing. Allele origin: unknown.

Fulgent Genetics
Classification: Likely pathogenic for Fanconi anemia complementation group G. Last evaluated: 2022-04-21. Review status: criteria provided, single submitter. Criteria: ACMG Guidelines, 2015. Collection method: clinical testing. Allele origin: unknown.

Literature cited by the submitters: PubMed 23067021 (cited by Labcorp Genetics (formerly Invitae), Labcorp and Natera, Inc.); PubMed 25703136 (cited by Labcorp Genetics (formerly Invitae), Labcorp).

NM_004629.2(FANCG):c.1589_1591del (p.Asp530_Thr531delinsAla)

Gene: FANCG (FA complementation group G; minus strand). Cytogenetic location: 9p13.3.
Variant type: Deletion.
Coding change: c.1589_1591del on transcript NM_004629.2 (MANE Select); coding-DNA positions 1589 to 1591, 3 bases deleted (ATA; older notation c.1589_1591delATA).
Protein change: p.Asp530_Thr531delinsAla.
Molecular consequence: inframe indel.
Genome position (GRCh38, 1-based): chr9:35,074,972-35,074,974, TAT deleted on the plus strand (ATA on the coding strand, the reverse complement: FANCG is on the minus strand). VCF-style (leftmost placement, unchanged base first): chr9-35074971-GTAT-G. GRCh37 (hg19) VCF-style: chr9-35074968-GTAT-G.
Other names: c.1589_1591delATA (NM_004629.1).
Identifiers: ClinVar variation 1066184 (VCV001066184.12), dbSNP rs767443643, ClinGen allele CA5039688.